The following is an entry in ClinVar:

NM_000019.4(ACAT1):c.826+5G>A

Gene: ACAT1 (acetyl-CoA acetyltransferase 1; plus strand). Cytogenetic location: 11q22.3.
Variant type: single nucleotide variant.
Coding change: c.826+5G>A on transcript NM_000019.4 (MANE Select); 5 bases into the intron after coding-DNA position 826, G replaced by A.
Molecular consequence: intron variant.
Genome position (GRCh38, 1-based): chr11:108,141,705, G>A. VCF-style: chr11-108141705-G-A. GRCh37 (hg19) VCF-style: chr11-108012432-G-A.
Other names: c.826+5G>A (NM_001386677.1); c.529+5G>A (NM_001386679.1); c.511+5G>A (NM_001386678.1); c.556+5G>A (NM_001386687.1, NM_001386688.1, NM_001386690.1 and 6 more transcripts).
Identifiers: ClinVar variation 3257337 (VCV003257337.17).
Genomic context (GRCh38, chr11:108,141,705, plus strand): 5'-ACGTGTTGATTTTAGCAAAGTTCCAAAGCTGAAGACAGTTTTCCAGAAAGAAAATGGTTA[G>A]TGTTAAGAAATGAAGCATAAGAAAAAATTGAGCCAGTATACCATATCTAGTTCTTAGAAT-3'

ClinVar aggregate classification (germline): Likely pathogenic (1 of 4 stars; one submission).

gnomAD v4.1: 1 of 1,605,576 alleles (0.000062%); highest among the groups gnomAD compares: Non-Finnish European, 0.000085%; no homozygotes.

Submission:

CeGaT Center for Human Genetics Tuebingen
Classification: Likely pathogenic. Last evaluated: 2024-06-01. Review status: criteria provided, single submitter. Criteria: CeGaT Center For Human Genetics Tuebingen Variant Classification Criteria Version 2. Collection method: clinical testing. Allele origin: germline. Affected: yes. Observed: 1 variant allele.
Comment: ACAT1: PM2, PP4:Moderate, PM3:Supporting, PP3, PS1:Supporting